The following is an entry in ClinVar:

ClinVar aggregate classification (germline): Uncertain significance (1 of 4 stars; one submission).

Allele frequency attached by ClinVar (database versions not stated): gnomAD 0.00001; gnomAD exomes 0.00002 and 0.00005; ExAC 0.00006.
gnomAD v4.1: 31 of 1,609,102 alleles (0.0019%); highest among the groups gnomAD compares: South Asian, 0.034%; 1 homozygote.

Submission:

Labcorp Genetics (formerly Invitae), Labcorp
Classification: Uncertain significance. Last evaluated: 2021-08-30. Review status: criteria provided, single submitter. Criteria: Invitae Variant Classification Sherloc (09022015). Collection method: clinical testing. Allele origin: germline.
Comment: This sequence change replaces serine with asparagine at codon 1548 of the ABCA4 protein (p.Ser1548Asn). The serine residue is highly conserved and there is a small physicochemical difference between serine and asparagine. This variant is present in population databases (rs750192063, ExAC 0.04%). This variant has not been reported in the literature in individuals affected with ABCA4-related conditions. Algorithms developed to predict the effect of missense changes on protein structure and function are either unavailable or do not agree on the potential impact of this missense change (SIFT: "Deleterious"; PolyPhen-2: "Benign"; Align-GVGD: "Class C45"). In summary, the available evidence is currently insufficient to determine the role of this variant in disease. Therefore, it has been classified as a Variant of Uncertain Significance.

NM_000350.3(ABCA4):c.4643G>A (p.Ser1548Asn)

Gene: ABCA4 (ATP binding cassette subfamily A member 4; minus strand). Cytogenetic location: 1p22.1.
Variant type: single nucleotide variant.
Coding change: c.4643G>A on transcript NM_000350.3 (MANE Select); coding-DNA position 4643, G replaced by A.
Protein change: p.Ser1548Asn; replaces serine 1548 with asparagine.
Molecular consequence: missense variant.
Genome position (GRCh38, 1-based): chr1:94,023,410, C>T on the plus strand (G>A on the coding strand, the complement: ABCA4 is on the minus strand). VCF-style: chr1-94023410-C-T. GRCh37 (hg19) VCF-style: chr1-94488966-C-T.
Other names: c.4421G>A, p.Ser1474Asn (NM_001425324.1); short protein forms S1548N, S1474N.
Identifiers: ClinVar variation 1035090 (VCV001035090.6), dbSNP rs750192063, ClinGen allele CA957528.
Genomic context (GRCh38, chr1:94,023,410, plus strand): 5'-TCTGAGATTTTAATTCTGATAAAAATAGTTTCTTACCTCTGTTCATTGACCCAGAATTTG[C>T]TCTTTAAGCTGAAAGCCAAAATAAAATAATGCAATGAATACCACAAGTACAGCAGTGCCG-3'
Protein context (NP_000341.2, residues 1538-1558): YPALIRSSLK[Ser1548Asn]KFWVNEQRYG